The following is an entry in ClinVar:

NM_015082.2(FSTL4):c.1374C>T (p.Ser458=)

Genes: FSTL4 (follistatin like 4; minus strand), FSTL4-AS2 (FSTL4 antisense RNA 2; plus strand), LOC126807510 (BRD4-independent group 4 enhancer GRCh37_chr5:132555882-132557081; plus strand). Cytogenetic location: 5q31.1.
Variant type: single nucleotide variant.
Coding change: c.1374C>T on transcript NM_015082.2 (MANE Select); coding-DNA position 1374, C replaced by T.
Protein change: p.Ser458=; no amino-acid change (serine 458 retained).
Molecular consequence: synonymous variant.
Genome position (GRCh38, 1-based): chr5:133,220,832, G>A on the plus strand (C>T on the coding strand, the complement: FSTL4 is on the minus strand). VCF-style: chr5-133220832-G-A. GRCh37 (hg19) VCF-style: chr5-132556524-G-A.
Identifiers: ClinVar variation 2655704 (VCV002655704.24), dbSNP rs199589963, ClinGen allele CA3410836.

ClinVar aggregate classification (germline): Likely benign (1 of 4 stars; one submission).

Allele frequency attached by ClinVar (database versions not stated): gnomAD exomes 0.00003; ExAC 0.00005; ESP Exome Variant Server 0.00015; 1000 Genomes Project 30x 0.00016; gnomAD 0.00019; 1000 Genomes Project 0.00020; TOPMed 0.00021.
gnomAD v4.1: 81 of 1,611,664 alleles (0.005%); highest among the groups gnomAD compares: African/African-American, 0.067%; 1 homozygote.

Submission:

CeGaT Center for Human Genetics Tuebingen
Classification: Likely benign. Last evaluated: 2022-07-01. Review status: criteria provided, single submitter. Criteria: CeGaT Center For Human Genetics Tuebingen Variant Classification Criteria Version 2. Collection method: clinical testing. Allele origin: germline. Affected: yes. Observed: 1 variant allele.
Comment: FSTL4: BP4, BP7